The following is an entry in ClinVar:

ClinVar aggregate classification (germline): Uncertain significance (1 of 4 stars; one submission).

gnomAD v4.1: 5 of 1,614,136 alleles (0.00031%); highest among the groups gnomAD compares: Admixed American, 0.0017%; no homozygotes.

Submission:

Labcorp Genetics (formerly Invitae), Labcorp
Classification: Uncertain significance. Last evaluated: 2025-03-25. Review status: criteria provided, single submitter. Criteria: Invitae Variant Classification Sherloc (09022015). Collection method: clinical testing. Allele origin: germline.
Comment: This sequence change replaces isoleucine, which is neutral and non-polar, with valine, which is neutral and non-polar, at codon 122 of the SLC41A1 protein (p.Ile122Val). This variant is present in population databases (no rsID available, gnomAD 0.0009%). This variant has not been reported in the literature in individuals affected with SLC41A1-related conditions. An algorithm developed to predict the effect of missense changes on protein structure and function (PolyPhen-2) suggests that this variant is likely to be tolerated. In summary, the available evidence is currently insufficient to determine the role of this variant in disease. Therefore, it has been classified as a Variant of Uncertain Significance.

NM_173854.6(SLC41A1):c.364A>G (p.Ile122Val)

Gene: SLC41A1 (solute carrier family 41 member 1; minus strand). Cytogenetic location: 1q32.1.
Variant type: single nucleotide variant.
Coding change: c.364A>G on transcript NM_173854.6 (MANE Select); coding-DNA position 364, A replaced by G.
Protein change: p.Ile122Val; replaces isoleucine 122 with valine.
Molecular consequence: missense variant.
Genome position (GRCh38, 1-based): chr1:205,810,078, T>C on the plus strand (A>G on the coding strand, the complement: SLC41A1 is on the minus strand). VCF-style: chr1-205810078-T-C. GRCh37 (hg19) VCF-style: chr1-205779206-T-C.
Other names: short protein forms I122V.
Identifiers: ClinVar variation 4775446 (VCV004775446.1).
Genomic context (GRCh38, chr1:205,810,078, plus strand): 5'-GGCAAAGGTGGCCCTGGGCTCACAGTCAAGAGCTGCCCTACTCAGGTCCTACCTGCACGA[T>C]GTCCAACACCATGCCAGCAGCCACGGTCCCAAAGCCTGCCAGGAGGAATGGAAACAGTAC-3'
Protein context (NP_776253.3, residues 112-132): GTVAAGMVLD[Ile122Val]VQHWEVFQKV